The following is an entry in ClinVar:

ClinVar aggregate classification (germline): Likely pathogenic (1 of 4 stars; one submission).

Conditions:
Hereditary cancer-predisposing syndrome. Also called: Neoplastic Syndromes, Hereditary; Tumor predisposition; Hereditary neoplastic syndrome; Hereditary Cancer Syndrome. Identifiers: Orphanet 140162, MedGen C0027672, MeSH D009386, MONDO:0015356.

Submission:

Ambry Genetics
Classification: Likely pathogenic for Hereditary cancer-predisposing syndrome. Last evaluated: 2023-11-02. Review status: criteria provided, single submitter. Criteria: Ambry Variant Classification Scheme 2023. Collection method: clinical testing. Allele origin: germline.
Comment: The c.5383_5384delTC variant, located in coding exon 15 of the APC gene, results from a deletion of two nucleotides at nucleotide positions 5383 to 5384, causing a translational frameshift with a predicted alternate stop codon (p.S1795Kfs*3). This alteration is expected to result in loss of function by premature protein truncation or nonsense-mediated mRNA decay. This variant is considered to be rare based on population cohorts in the Genome Aggregation Database (gnomAD). Based on the majority of available evidence to date, this variant is likely to be pathogenic.

NM_000038.6(APC):c.5383_5384del (p.Ser1795fs)

Gene: APC (APC regulator of Wnt signaling pathway; plus strand). Cytogenetic location: 5q22.2.
Variant type: Deletion.
Coding change: c.5383_5384del on transcript NM_000038.6 (MANE Select); coding-DNA positions 5383 to 5384, 2 bases deleted (TC; older notation c.5383_5384delTC).
Protein change: p.Ser1795fs; shifts the reading frame from serine 1795.
Molecular consequence: frameshift variant. On other transcripts: non-coding transcript variant (2).
Genome position (GRCh38, 1-based): chr5:112,840,977-112,840,978, TC deleted; deleting any 2 consecutive bases within chr5:112,840,976-112,840,978 gives the same sequence; the c. name uses the placement nearest the transcript's 3' end. VCF-style (leftmost placement, unchanged base first): chr5-112840975-ACT-A. GRCh37 (hg19) VCF-style: chr5-112176672-ACT-A.
Other names: c.5383_5384del, p.Ser1795fs (NM_001127510.3, NM_001354895.2, NM_001407450.1); c.5329_5330del, p.Ser1777fs (NM_001127511.3); c.5437_5438del, p.Ser1813fs (NM_001354896.2, NM_001407447.1, NM_001407448.1 and 1 more transcripts); c.5413_5414del, p.Ser1805fs (NM_001354897.2); c.5308_5309del, p.Ser1770fs (NM_001354898.2); c.5299_5300del, p.Ser1767fs (NM_001354899.2); c.5260_5261del, p.Ser1754fs (NM_001354900.2); c.5206_5207del, p.Ser1736fs (NM_001354901.2, NM_001407453.1); and 11 more; short protein forms S1411fs, S1512fs, S1635fs, S1666fs, S1669fs, S1694fs, S1704fs, S1712fs.
Identifiers: ClinVar variation 3230739 (VCV003230739.1), dbSNP rs2533640475, ClinGen allele CA2825001376.